The following is an entry in ClinVar:

NM_001283009.2(RTEL1):c.3334C>G (p.Leu1112Val)

Genes: RTEL1 (regulator of telomere elongation helicase 1; plus strand), RTEL1-TNFRSF6B (RTEL1-TNFRSF6B readthrough (NMD candidate); plus strand). Cytogenetic location: 20q13.33.
Variant type: single nucleotide variant.
Coding change: c.3334C>G on transcript NM_001283009.2 (MANE Select); coding-DNA position 3334, C replaced by G.
Protein change: p.Leu1112Val; replaces leucine 1112 with valine.
Molecular consequence: missense variant. On other transcripts: non-coding transcript variant (1).
Genome position (GRCh38, 1-based): chr20:63,694,965, C>G. VCF-style: chr20-63694965-C-G. GRCh37 (hg19) VCF-style: chr20-62326318-C-G.
Other names: c.2665C>G, p.Leu889Val (NM_001283010.1); c.3334C>G, p.Leu1112Val (NM_016434.4); c.3406C>G, p.Leu1136Val (NM_032957.5); short protein forms L1112V, L1136V, L889V.
Identifiers: ClinVar variation 3948444 (VCV003948444.1).
Genomic context (GRCh38, chr20:63,694,965, plus strand): 5'-CTCGACAAGGTGCTGGCTGTGTTGGCCGCCCTGACCACTGCAAAGCCAGAGGACTTCCCC[C>G]TGCTGCACAGCAAGTGGCCCTGGCGTGGGGAACAGCCGGTGGGGTGGGGGGCAGGGGACA-3'
Protein context (NP_001269938.1, residues 1102-1122): LTTAKPEDFP[Leu1112Val]LHRFSMFVRP

ClinVar aggregate classification (germline): Uncertain significance (1 of 4 stars; one submission).

Conditions:
Inborn genetic diseases. Identifiers: MedGen C0950123, MeSH D030342.

Submission:

Ambry Genetics
Classification: Uncertain significance for Inborn genetic diseases. Last evaluated: 2025-06-02. Review status: criteria provided, single submitter. Criteria: Ambry Variant Classification Scheme 2023. Collection method: clinical testing. Allele origin: germline.
Comment: The p.L1112V variant (also known as c.3334C>G), located in coding exon 31 of the RTEL1 gene, results from a C to G substitution at nucleotide position 3334. The leucine at codon 1112 is replaced by valine, an amino acid with highly similar properties. This amino acid position is conserved. In addition, the in silico prediction for this alteration is inconclusive. Based on the available evidence, the clinical significance of this variant remains unclear.